The following is an entry in ClinVar:

NM_005188.4(CBL):c.1296T>C (p.Asp432=)

Gene: CBL (Cbl proto-oncogene; plus strand). Cytogenetic location: 11q23.3.
Variant type: single nucleotide variant.
Coding change: c.1296T>C on transcript NM_005188.4 (MANE Select); coding-DNA position 1296, T replaced by C.
Protein change: p.Asp432=; no amino-acid change (aspartic acid 432 retained).
Molecular consequence: synonymous variant.
Genome position (GRCh38, 1-based): chr11:119,278,578, T>C. VCF-style: chr11-119278578-T-C. GRCh37 (hg19) VCF-style: chr11-119149288-T-C.
Identifiers: ClinVar variation 477694 (VCV000477694.15), dbSNP rs1188095865, ClinGen allele CA477137663.

ClinVar aggregate classification (germline): Conflicting classifications of pathogenicity. Review status: criteria provided, conflicting classifications (1 of 4 stars). 4 submissions from 4 submitters: Uncertain significance (1); Likely benign (2). 1 of the submissions does not count toward it. Last evaluated 2025-12-15.

Conditions:
CBL-related disorder. Also called: NOONAN SYNDROME-LIKE DISORDER WITHOUT JUVENILE MYELOMONOCYTIC LEUKEMIA; CBL MUTATION-ASSOCIATED SYNDROME; CBL SYNDROME. Identifiers: Orphanet 363972, MedGen C3150803, MONDO:0013308, OMIM 613563.
Cardiovascular phenotype. Identifiers: MedGen CN230736.
RASopathy. Also called: rasopathies; Noonan spectrum disorder. Identifiers: Orphanet 536391, MedGen C5555857, MONDO:0021060.

Allele frequency attached by ClinVar (database versions not stated): gnomAD exomes below 0.00001; TOPMed below 0.00001.
gnomAD v4.1: 2 of 1,614,110 alleles (0.00012%); highest among the groups gnomAD compares: Non-Finnish European, 0.00017%; no homozygotes.

Submissions (4):

Labcorp Genetics (formerly Invitae), Labcorp
Classification: Likely benign for RASopathy. Last evaluated: 2025-12-15. Review status: criteria provided, single submitter. Criteria: Invitae Variant Classification Sherloc (09022015). Collection method: clinical testing. Allele origin: germline.

Revvity Omics, Revvity
Classification: Uncertain significance. Last evaluated: 2021-06-18. Review status: criteria provided, single submitter. Criteria: ACMG Guidelines, 2015. Collection method: clinical testing. Allele origin: germline.

Ambry Genetics
Classification: Likely benign for Cardiovascular phenotype. Last evaluated: 2020-10-22. Review status: criteria provided, single submitter. Criteria: Ambry Variant Classification Scheme 2023. Collection method: clinical testing. Allele origin: germline.

PreventionGenetics, part of Exact Sciences
Classification: Likely benign for CBL-related condition. Last evaluated: 2023-12-18. Review status: no assertion criteria provided. Collection method: clinical testing. Allele origin: germline. Not counted in ClinVar's aggregate classification.
Comment: This variant is classified as likely benign based on ACMG/AMP sequence variant interpretation guidelines (Richards et al. 2015 PMID: 25741868, with internal and published modifications).